The following is an entry in ClinVar:

NM_001291303.3(FAT4):c.14945_14946del (p.Tyr4982fs)

Gene: FAT4 (FAT atypical cadherin 4; plus strand). Cytogenetic location: 4q28.1.
Variant type: Deletion.
Coding change: c.14945_14946del on transcript NM_001291303.3 (MANE Select); coding-DNA positions 14945 to 14946, 2 bases deleted (AT; older notation c.14945_14946delAT).
Protein change: p.Tyr4982fs; shifts the reading frame from tyrosine 4982.
Molecular consequence: frameshift variant.
Genome position (GRCh38, 1-based): chr4:125,491,761-125,491,762, AT deleted; deleting any 2 consecutive bases within chr4:125,491,760-125,491,762 gives the same sequence; the c. name uses the placement nearest the transcript's 3' end. VCF-style (leftmost placement, unchanged base first): chr4-125491759-GTA-G. GRCh37 (hg19) VCF-style: chr4-126412914-GTA-G.
Other names: c.14942_14943del, p.Tyr4981fs (NM_001291285.3); c.14939_14940del, p.Tyr4980fs (NM_024582.6); short protein forms Y4981fs, Y4980fs, Y4982fs.
Identifiers: ClinVar variation 1962486 (VCV001962486.6), dbSNP rs2530093941, ClinGen allele CA2580071490.

ClinVar aggregate classification (germline): Uncertain significance. Review status: criteria provided, multiple submitters, no conflicts (2 of 4 stars). 2 submissions from 2 submitters: Uncertain significance (2). Last evaluated 2024-10-29.

Conditions:
Hennekam lymphangiectasia-lymphedema syndrome 2 (HKLLS2). Identifiers: Orphanet 2136, MedGen C4014939, MONDO:0014454, OMIM 616006.

Submissions (2):

Labcorp Genetics (formerly Invitae), Labcorp
Classification: Uncertain significance. Last evaluated: 2024-10-29. Review status: criteria provided, single submitter. Criteria: Invitae Variant Classification Sherloc (09022015). Collection method: clinical testing. Allele origin: germline.
Comment: This sequence change results in a frameshift in the FAT4 gene (p.Tyr4980Cysfs*12). While this is not anticipated to result in nonsense mediated decay, it is expected to disrupt the last 2 amino acid(s) of the FAT4 protein and extend the protein by 9 additional amino acid residues. This variant is not present in population databases (gnomAD no frequency). This variant has not been reported in the literature in individuals affected with FAT4-related conditions. ClinVar contains an entry for this variant (Variation ID: 1962486). Experimental studies and prediction algorithms are not available or were not evaluated, and the functional significance of this variant is currently unknown. In summary, the available evidence is currently insufficient to determine the role of this variant in disease. Therefore, it has been classified as a Variant of Uncertain Significance.

Clinical Genomics Laboratory, Washington University in St. Louis
Classification: Uncertain significance for Hennekam lymphangiectasia-lymphedema syndrome 2. Last evaluated: 2024-02-12. Review status: criteria provided, single submitter. Criteria: ACMG Guidelines, 2015. Collection method: clinical testing. Allele origin: germline.
Comment: A FAT4 c.14945_14946del (p.Tyr4982Cysfs*12) variant was identified at a heterozygous allelic fraction of 50%, a frequency which may be consistent with germline origin. This variant, to our knowledge, has not been reported in the medical literature, but has been reported in the ClinVar database as a germline variant of uncertain significance by a single submitter. The FAT4 c.14945_14946del (p.Tyr4982Cysfs*12) variant is absent from the general population (gnomAD v4.0.0), indicating it is not a common variant. This variant causes a frameshift by deleting 2 nucleotides, however, because this occurs in the last exon, this is not predicted to lead to nonsense mediated decay, but does lead to an extended protein. Due to limited information, and based on the ACMG/AMP guidelines for variant interpretation (Richards S et al., PMID: 25741868), the clinical significance of this variant is uncertain at this time.